The following is an entry in ClinVar:

ClinVar aggregate classification (germline): Likely benign. Review status: criteria provided, multiple submitters, no conflicts (2 of 4 stars). 4 submissions from 4 submitters: Likely benign (4). Last evaluated 2025-11-15.

Conditions:
Familial thoracic aortic aneurysm and aortic dissection (TAAD). Also called: Thoracic aortic aneurysms and dissections. Identifiers: Orphanet 91387, MedGen C4707243, MONDO:0019625.
Ehlers-Danlos syndrome, type 4 (EDSVASC). Also called: Ehlers-Danlos syndrome vascular type; Ehlers Danlos syndrome, ecchymotic type; Ehlers Danlos syndrome, arterial type; Ehlers Danlos syndrome, Sack-Barabas type; Ehlers-Danlos Syndrome Type IV. Identifiers: Orphanet 286, MedGen C0268338, MONDO:0017314, OMIM 130050.

Allele frequency attached by ClinVar (database versions not stated): gnomAD 0.00002 and 0.00003; TOPMed 0.00002.
gnomAD v4.1: 11 of 1,563,570 alleles (0.0007%); highest among the groups gnomAD compares: African/African-American, 0.0027%; no homozygotes.

Submissions (4):

Ambry Genetics
Classification: Likely benign for Familial thoracic aortic aneurysm and aortic dissection. Last evaluated: 2025-11-15. Review status: criteria provided, single submitter. Criteria: Ambry Variant Classification Scheme 2023. Collection method: clinical testing. Allele origin: germline.

Labcorp Genetics (formerly Invitae), Labcorp
Classification: Likely benign for Ehlers-Danlos syndrome, type 4. Last evaluated: 2025-02-09. Review status: criteria provided, single submitter. Criteria: Invitae Variant Classification Sherloc (09022015). Collection method: clinical testing. Allele origin: germline.

All of Us Research Program, National Institutes of Health
Classification: Likely benign for Ehlers-Danlos syndrome, type 4. Last evaluated: 2024-05-14. Review status: criteria provided, single submitter. Criteria: ACMG Guidelines, 2015. Collection method: clinical testing. Allele origin: germline. Inheritance: Autosomal dominant inheritance. Observed: 1 variant allele, 1 heterozygote.
Comment: This study involves interpretation of variants in research participants for the purpose of population health screening. Participant phenotype was not available at the time of variant classification. Additional details can be found in publication PMID: 35346344, PMCID: PMC8962531

Color Diagnostics, LLC DBA Color Health
Classification: Likely benign for Familial thoracic aortic aneurysm and aortic dissection. Last evaluated: 2019-08-02. Review status: criteria provided, single submitter. Criteria: ACMG Guidelines, 2015. Collection method: clinical testing. Allele origin: germline.

NM_000090.4(COL3A1):c.1584C>T (p.Gly528=)

Gene: COL3A1 (collagen type III alpha 1 chain; plus strand). Cytogenetic location: 2q32.2.
Variant type: single nucleotide variant.
Coding change: c.1584C>T on transcript NM_000090.4 (MANE Select); coding-DNA position 1584, C replaced by T.
Protein change: p.Gly528=; no amino-acid change (glycine 528 retained).
Molecular consequence: synonymous variant.
Genome position (GRCh38, 1-based): chr2:188,995,766, C>T. VCF-style: chr2-188995766-C-T. GRCh37 (hg19) VCF-style: chr2-189860492-C-T.
Identifiers: ClinVar variation 529331 (VCV000529331.13), dbSNP rs946270867, ClinGen allele CA62596987.